The following is an entry in ClinVar:

NM_001378609.3(OTOGL):c.6337G>A (p.Asp2113Asn)

Gene: OTOGL (otogelin like; plus strand). Cytogenetic location: 12q21.31.
Variant type: single nucleotide variant.
Coding change: c.6337G>A on transcript NM_001378609.3 (MANE Select); coding-DNA position 6337, G replaced by A.
Protein change: p.Asp2113Asn; replaces aspartic acid 2113 with asparagine.
Molecular consequence: missense variant.
Genome position (GRCh38, 1-based): chr12:80,367,566, G>A. VCF-style: chr12-80367566-G-A. GRCh37 (hg19) VCF-style: chr12-80761346-G-A.
Other names: c.6202G>A, p.Asp2068Asn (NM_001368062.3); c.6337G>A, p.Asp2113Asn (NM_001378610.3, NM_173591.7); short protein forms D2068N, D2113N.
Identifiers: ClinVar variation 1698339 (VCV001698339.2), dbSNP rs2138078230, ClinGen allele CA385889180.
Genomic context (GRCh38, chr12:80,367,566, plus strand): 5'-ATTAGTACAAAACTCAACAGTATATTTTCTTATTGACTATGTTTTCTGTTCTTAGAAAAG[G>A]ATGATGTGTGTGTATTTCAAGAAGTATCAGTATTGAATCCTGGACAATCCATGATAAAGT-3'
Protein context (NP_001365538.2, residues 2103-2123): CGCIQYLCEK[Asp2113Asn]DVCVFQEVSV

ClinVar aggregate classification (germline): Uncertain significance (1 of 4 stars; one submission).

Submission:

GeneDx
Classification: Uncertain significance. Last evaluated: 2022-01-24. Review status: criteria provided, single submitter. Criteria: GeneDx Variant Classification Process June 2021. Collection method: clinical testing. Allele origin: germline. Affected: yes.
Comment: Not observed at significant frequency in large population cohorts (gnomAD); In silico analysis supports that this missense variant has a deleterious effect on protein structure/function; Has not been previously published as pathogenic or benign to our knowledge